The following is an entry in ClinVar:

NM_018263.6(ASXL2):c.3731G>A (p.Ser1244Asn)

Gene: ASXL2 (ASXL transcriptional regulator 2; minus strand). Cytogenetic location: 2p23.3.
Variant type: single nucleotide variant.
Coding change: c.3731G>A on transcript NM_018263.6 (MANE Select); coding-DNA position 3731, G replaced by A.
Protein change: p.Ser1244Asn; replaces serine 1244 with asparagine.
Molecular consequence: missense variant.
Genome position (GRCh38, 1-based): chr2:25,742,606, C>T on the plus strand (G>A on the coding strand, the complement: ASXL2 is on the minus strand). VCF-style: chr2-25742606-C-T. GRCh37 (hg19) VCF-style: chr2-25965475-C-T.
Other names: c.3557G>A, p.Ser1186Asn (NM_001369346.1); c.2951G>A, p.Ser984Asn (NM_001369347.1); c.3731G>A (NM_018263.4); short protein forms S1186N, S984N, S1244N.
Identifiers: ClinVar variation 1508151 (VCV001508151.6), dbSNP rs552479532, ClinGen allele CA1557427.

ClinVar aggregate classification (germline): Conflicting classifications of pathogenicity. Review status: criteria provided, conflicting classifications (1 of 4 stars). 2 submissions from 2 submitters: Uncertain significance (1); Likely benign (1). Last evaluated 2025-11-03.

Conditions:
Inborn genetic diseases. Identifiers: MedGen C0950123, MeSH D030342.

Allele frequency attached by ClinVar (database versions not stated): gnomAD exomes 0.00002 and 0.00001; TOPMed 0.00003; gnomAD 0.00004 and 0.00005; ExAC 0.00001.
gnomAD v4.1: 16 of 1,613,864 alleles (0.00099%); highest among the groups gnomAD compares: African/African-American, 0.004%; no homozygotes.

Submissions (2):

Ambry Genetics
Classification: Likely benign for Inborn genetic diseases. Last evaluated: 2025-11-03. Review status: criteria provided, single submitter. Criteria: Ambry Variant Classification Scheme 2023. Collection method: clinical testing. Allele origin: germline.

Labcorp Genetics (formerly Invitae), Labcorp
Classification: Uncertain significance. Last evaluated: 2021-12-02. Review status: criteria provided, single submitter. Criteria: Invitae Variant Classification Sherloc (09022015). Collection method: clinical testing. Allele origin: germline.
Comment: In summary, the available evidence is currently insufficient to determine the role of this variant in disease. Therefore, it has been classified as a Variant of Uncertain Significance. Algorithms developed to predict the effect of missense changes on protein structure and function output the following: SIFT: "Tolerated"; PolyPhen-2: "Not Available"; Align-GVGD: "Class C0". The asparagine amino acid residue is found in multiple mammalian species, which suggests that this missense change does not adversely affect protein function. This variant has not been reported in the literature in individuals affected with ASXL2-related conditions. This variant is present in population databases (rs552479532, gnomAD 0.008%). This sequence change replaces serine, which is neutral and polar, with asparagine, which is neutral and polar, at codon 1244 of the ASXL2 protein (p.Ser1244Asn).